The following is an entry in ClinVar:

ClinVar aggregate classification (germline): Uncertain significance. Review status: criteria provided, single submitter (1 of 4 stars). 2 submissions from 2 submitters: Uncertain significance (1). 1 of the submissions does not count toward it. Last evaluated 2024-02-16.

Conditions:
Familial cancer of breast. Also called: BREAST CANCER, FAMILIAL; Hereditary breast cancer; hereditary breast carcinoma. Identifiers: Orphanet 227535, MedGen C0346153, MONDO:0016419, OMIM 114480. Disease mechanism: loss of function.
Malignant tumor of breast. Also called: Malignant breast neoplasm; Cancer breast. Identifiers: MedGen C0006142, MONDO:0007254. Disease mechanism: loss of function.

Submissions (2):

Baylor Genetics
Classification: Uncertain significance for Familial cancer of breast. Last evaluated: 2024-02-16. Review status: criteria provided, single submitter. Criteria: ACMG Guidelines, 2015. Collection method: clinical testing. Allele origin: unknown.

Department of Pathology and Laboratory Medicine, Sinai Health System
Classification: Uncertain significance for Malignant tumor of breast. Review status: no assertion criteria provided. Collection method: clinical testing. Allele origin: unknown. Affected: yes. Observed: 1 variant allele. Study: The Canadian Open Genetics Repository (COGR). Not counted in ClinVar's aggregate classification.
Comment: The PALB2 p.Glu1011Lys variant was not identified in the literature nor was it identified in dbSNP, ClinVar, LOVD 3.0, the Exome Aggregation Consortium (August 8th 2016) or the Genome Aggregation Database (Feb 27, 2017). The p.Glu1011 residue is conserved in mammals and computational analyses (PolyPhen-2, SIFT, AlignGVGD, BLOSUM, MutationTaster) provide inconsistent predictions regarding the impact to the protein; this information is not very predictive of pathogenicity. The variant occurs outside of the splicing consensus sequence and in silico or computational prediction software programs (SpliceSiteFinder, MaxEntScan, NNSPLICE, GeneSplicer) do not predict a difference in splicing. In summary, based on the above information, the clinical significance of this variant cannot be determined with certainty at this time. This variant is classified as a variant of uncertain significance.

NM_024675.4(PALB2):c.3031G>A (p.Glu1011Lys)

Gene: PALB2 (partner and localizer of BRCA2; minus strand). Cytogenetic location: 16p12.2.
Variant type: single nucleotide variant.
Coding change: c.3031G>A on transcript NM_024675.4 (MANE Select); coding-DNA position 3031, G replaced by A.
Protein change: p.Glu1011Lys; replaces glutamic acid 1011 with lysine.
Molecular consequence: missense variant.
Genome position (GRCh38, 1-based): chr16:23,621,444, C>T on the plus strand (G>A on the coding strand, the complement: PALB2 is on the minus strand). VCF-style: chr16-23621444-C-T. GRCh37 (hg19) VCF-style: chr16-23632765-C-T.
Other names: short protein forms E1011K.
Identifiers: ClinVar variation 1050013 (VCV001050013.3), dbSNP rs1302512878, ClinGen allele CA395143086.